The following is an entry in ClinVar:

NM_004104.5(FASN):c.5877G>A (p.Ala1959=)

Gene: FASN (fatty acid synthase; minus strand). Cytogenetic location: 17q25.3.
Variant type: single nucleotide variant.
Coding change: c.5877G>A on transcript NM_004104.5 (MANE Select); coding-DNA position 5877, G replaced by A.
Protein change: p.Ala1959=; no amino-acid change (alanine 1959 retained).
Molecular consequence: synonymous variant.
Genome position (GRCh38, 1-based): chr17:82,082,569, C>T on the plus strand (G>A on the coding strand, the complement: FASN is on the minus strand). VCF-style: chr17-82082569-C-T. GRCh37 (hg19) VCF-style: chr17-80040445-C-T.
Identifiers: ClinVar variation 749677 (VCV000749677.13), dbSNP rs199810482, ClinGen allele CA8851519.

ClinVar aggregate classification (germline): Likely benign. Review status: criteria provided, single submitter (1 of 4 stars). 2 submissions from 2 submitters: Likely benign (1). 1 of the submissions does not count toward it. Last evaluated 2026-02-02.

Conditions:
FASN-related disorder. Also called: FASN-related condition.
Epileptic encephalopathy. Identifiers: MedGen C0543888, HP:0200134.

Allele frequency attached by ClinVar (database versions not stated): ESP Exome Variant Server 0.00008; TOPMed 0.00011; gnomAD 0.00012 and 0.00013; gnomAD exomes 0.00013; ExAC 0.00017; 1000 Genomes Project 0.00040; 1000 Genomes Project 30x 0.00047.
gnomAD v4.1: 329 of 1,609,302 alleles (0.02%); highest among the groups gnomAD compares: Non-Finnish European, 0.025%; no homozygotes.

Submissions (2):

Labcorp Genetics (formerly Invitae), Labcorp
Classification: Likely benign for Epileptic encephalopathy. Last evaluated: 2026-02-02. Review status: criteria provided, single submitter. Criteria: Invitae Variant Classification Sherloc (09022015). Collection method: clinical testing. Allele origin: germline.

PreventionGenetics, part of Exact Sciences
Classification: Likely benign for FASN-related condition. Last evaluated: 2019-03-29. Review status: no assertion criteria provided. Collection method: clinical testing. Allele origin: germline. Not counted in ClinVar's aggregate classification.
Comment: This variant is classified as likely benign based on ACMG/AMP sequence variant interpretation guidelines (Richards et al. 2015 PMID: 25741868, with internal and published modifications).